The following is an entry in ClinVar:

ClinVar aggregate classification (germline): Uncertain significance (1 of 4 stars; one submission).

Conditions:
Inborn genetic diseases. Identifiers: MedGen C0950123, MeSH D030342.

Submission:

Ambry Genetics
Classification: Uncertain significance for Inborn genetic diseases. Last evaluated: 2026-05-04. Review status: criteria provided, single submitter. Criteria: Ambry Variant Classification Scheme 2023. Collection method: clinical testing. Allele origin: germline.
Comment: The p.K719E variant (also known as c.2155A>G), located in coding exon 12 of the FANCM gene, results from an A to G substitution at nucleotide position 2155. The lysine at codon 719 is replaced by glutamic acid, an amino acid with similar properties. This amino acid position is conserved. In addition, this alteration is predicted to be tolerated by in silico analysis. Based on the available evidence, the clinical significance of this variant remains unclear.

NM_020937.4(FANCM):c.2155A>G (p.Lys719Glu)

Gene: FANCM (FA complementation group M; plus strand). Cytogenetic location: 14q21.2.
Variant type: single nucleotide variant.
Coding change: c.2155A>G on transcript NM_020937.4 (MANE Select); coding-DNA position 2155, A replaced by G.
Protein change: p.Lys719Glu; replaces lysine 719 with glutamic acid.
Molecular consequence: missense variant.
Genome position (GRCh38, 1-based): chr14:45,170,741, A>G. VCF-style: chr14-45170741-A-G. GRCh37 (hg19) VCF-style: chr14-45639944-A-G.
Other names: c.2077A>G, p.Lys693Glu (NM_001308133.2); short protein forms K693E, K719E.
Identifiers: ClinVar variation 4871120 (VCV004871120.1).